The following is an entry in ClinVar:

NM_002043.5(GABRR2):c.1289C>T (p.Thr430Met)

Gene: GABRR2 (gamma-aminobutyric acid type A receptor subunit rho2; minus strand). Cytogenetic location: 6q15.
Variant type: single nucleotide variant.
Coding change: c.1289C>T on transcript NM_002043.5 (MANE Select); coding-DNA position 1289, C replaced by T.
Protein change: p.Thr430Met; replaces threonine 430 with methionine.
Molecular consequence: missense variant.
Genome position (GRCh38, 1-based): chr6:89,257,779, G>A on the plus strand (C>T on the coding strand, the complement: GABRR2 is on the minus strand). VCF-style: chr6-89257779-G-A. GRCh37 (hg19) VCF-style: chr6-89967498-G-A.
Other names: short protein forms T430M.
Identifiers: ClinVar variation 1286404 (VCV001286404.1), dbSNP rs282129, ClinGen allele CA3920050.
Genomic context (GRCh38, chr6:89,257,779, plus strand): 5'-GGGAATATCAACCTAGAGTATTTGTCAATGGCATGGGTATTCTGGAAGATACGAAAACCC[G>A]TCTGGCCCTTCAGAAGCCCCTTCTTTCTGGCAGCGTTGGCTTCACCACTCAGGCCCAGGT-3'
Protein context (NP_002034.3, residues 420-440): ARKKGLLKGQ[Thr430Met]GFRIFQNTHA

ClinVar aggregate classification (germline): Benign (1 of 4 stars; one submission).

Allele frequency attached by ClinVar (database versions not stated): gnomAD exomes 0.24765 and 0.27788; 1000 Genomes Project 0.25220; 1000 Genomes Project 30x 0.25531; ExAC 0.25538; TOPMed 0.29865; gnomAD 0.30295 and 0.31093; ESP Exome Variant Server 0.32862.

Submission:

GeneDx
Classification: Benign. Last evaluated: 2019-09-17. Review status: criteria provided, single submitter. Criteria: GeneDx Variant Classification Process June 2021. Collection method: clinical testing. Allele origin: germline. Affected: yes.
Comment: This variant is associated with the following publications: (PMID: 19536785)